The following is an entry in ClinVar:

ClinVar aggregate classification (germline): Likely benign (1 of 4 stars; one submission).

Allele frequency attached by ClinVar (database versions not stated): gnomAD exomes below 0.00001; ExAC 0.00001; gnomAD 0.00001; TOPMed 0.00001; ESP Exome Variant Server 0.00008.
gnomAD v4.1: 4 of 1,614,072 alleles (0.00025%); highest among the groups gnomAD compares: East Asian, 0.0022%; no homozygotes.

Submission:

CeGaT Center for Human Genetics Tuebingen
Classification: Likely benign. Last evaluated: 2023-03-01. Review status: criteria provided, single submitter. Criteria: CeGaT Center For Human Genetics Tuebingen Variant Classification Criteria Version 2. Collection method: clinical testing. Allele origin: germline. Affected: yes. Observed: 1 variant allele.
Comment: MYH14: BP4, BP7

NM_001145809.2(MYH14):c.1521C>T (p.Asn507=)

Gene: MYH14 (myosin heavy chain 14; plus strand). Cytogenetic location: 19q13.33.
Variant type: single nucleotide variant.
Coding change: c.1521C>T on transcript NM_001145809.2 (MANE Select); coding-DNA position 1521, C replaced by T.
Protein change: p.Asn507=; no amino-acid change (asparagine 507 retained).
Molecular consequence: synonymous variant.
Genome position (GRCh38, 1-based): chr19:50,249,688, C>T. VCF-style: chr19-50249688-C-T. GRCh37 (hg19) VCF-style: chr19-50752945-C-T.
Other names: c.1521C>T, p.Asn507= (NM_001077186.2); c.1497C>T, p.Asn499= (NM_024729.4).
Identifiers: ClinVar variation 2650305 (VCV002650305.24), dbSNP rs373046667, ClinGen allele CA9592660.